The following is an entry in ClinVar:

ClinVar aggregate classification (germline): Uncertain significance. Review status: criteria provided, multiple submitters, no conflicts (2 of 4 stars). 2 submissions from 2 submitters: Uncertain significance (2). Last evaluated 2024-09-24.

Conditions:
Split hand-foot malformation 1 with sensorineural hearing loss. Also called: SPLIT-HAND/FOOT MALFORMATION 1 WITH SENSORINEURAL HEARING LOSS, AUTOSOMAL RECESSIVE; DEAFNESS, CONGENITAL, WITH SPLIT HANDS AND FEET. Identifiers: Orphanet 71271, MedGen C1857344, MONDO:0009080, OMIM 220600.

gnomAD v4.1: 41 of 1,613,966 alleles (0.0025%); highest among the groups gnomAD compares: Middle Eastern, 0.033%; no homozygotes.

Submissions (2):

Labcorp Genetics (formerly Invitae), Labcorp
Classification: Uncertain significance. Last evaluated: 2024-09-24. Review status: criteria provided, single submitter. Criteria: Invitae Variant Classification Sherloc (09022015). Collection method: clinical testing. Allele origin: germline.
Comment: This sequence change replaces serine, which is neutral and polar, with proline, which is neutral and non-polar, at codon 229 of the DLX5 protein (p.Ser229Pro). This variant is present in population databases (rs760699921, gnomAD 0.007%). This variant has not been reported in the literature in individuals affected with DLX5-related conditions. Invitae Evidence Modeling of protein sequence and biophysical properties (such as structural, functional, and spatial information, amino acid conservation, physicochemical variation, residue mobility, and thermodynamic stability) indicates that this missense variant is not expected to disrupt DLX5 protein function with a negative predictive value of 80%. In summary, the available evidence is currently insufficient to determine the role of this variant in disease. Therefore, it has been classified as a Variant of Uncertain Significance.

Department of Pathology and Laboratory Medicine, Sinai Health System
Classification: Uncertain significance for split hand-foot malformation 1 with sensorineural hearing loss. Last evaluated: 2023-02-21. Review status: criteria provided, single submitter. Criteria: ACMG Guidelines, 2015. Collection method: research. Allele origin: germline.

NM_005221.6(DLX5):c.685T>C (p.Ser229Pro)

Gene: DLX5 (distal-less homeobox 5; minus strand). Cytogenetic location: 7q21.3.
Variant type: single nucleotide variant.
Coding change: c.685T>C on transcript NM_005221.6 (MANE Select); coding-DNA position 685, T replaced by C.
Protein change: p.Ser229Pro; replaces serine 229 with proline.
Molecular consequence: missense variant.
Genome position (GRCh38, 1-based): chr7:97,020,921, A>G on the plus strand (T>C on the coding strand, the complement: DLX5 is on the minus strand). VCF-style: chr7-97020921-A-G. GRCh37 (hg19) VCF-style: chr7-96650233-A-G.
Other names: short protein forms S229P.
Identifiers: ClinVar variation 3708720 (VCV003708720.3).